The following is an entry in ClinVar:

ClinVar aggregate classification (germline): Uncertain significance (1 of 4 stars; one submission).

Conditions:
Hereditary cancer-predisposing syndrome. Also called: Tumor predisposition; Neoplastic Syndromes, Hereditary; Hereditary neoplastic syndrome; Hereditary Cancer Syndrome. Identifiers: Orphanet 140162, MedGen C0027672, MeSH D009386, MONDO:0015356.

Submission:

Ambry Genetics
Classification: Uncertain significance for Hereditary cancer-predisposing syndrome. Last evaluated: 2025-08-27. Review status: criteria provided, single submitter. Criteria: Ambry Variant Classification Scheme 2023. Collection method: clinical testing. Allele origin: germline.
Comment: The p.G503R variant (also known as c.1507G>C), located in coding exon 15 of the MUTYH gene, results from a G to C substitution at nucleotide position 1507. The glycine at codon 503 is replaced by arginine, an amino acid with dissimilar properties. This amino acid position is conserved. In addition, the in silico prediction for this alteration is inconclusive. Based on the available evidence, the clinical significance of this variant remains unclear.

NM_001048174.2(MUTYH):c.1423G>C (p.Gly475Arg)

Gene: MUTYH (mutY DNA glycosylase; minus strand). Cytogenetic location: 1p34.1.
Variant type: single nucleotide variant.
Coding change: c.1423G>C on transcript NM_001048174.2 (MANE Select); coding-DNA position 1423, G replaced by C.
Protein change: p.Gly475Arg; replaces glycine 475 with arginine.
Molecular consequence: missense variant. On other transcripts: non-coding transcript variant (7).
Genome position (GRCh38, 1-based): chr1:45,330,527, C>G on the plus strand (G>C on the coding strand, the complement: MUTYH is on the minus strand). VCF-style: chr1-45330527-C-G. GRCh37 (hg19) VCF-style: chr1-45796199-C-G.
Other names: c.1456G>C, p.Gly486Arg (NM_001407077.1, NM_001293191.2, NM_001407069.1); c.1426G>C, p.Gly476Arg (NM_001407078.1, NM_001407086.1, NM_001048172.2 and 1 more transcripts); c.1384G>C, p.Gly462Arg (NM_001407079.1); c.1381G>C, p.Gly461Arg (NM_001407080.1); c.1423G>C, p.Gly475Arg (NM_001407081.1, NM_001407088.1, NM_001407089.1 and 6 more transcripts); c.1078G>C, p.Gly360Arg (NM_001407082.1, NM_001350650.2, NM_001350651.2); c.1465G>C, p.Gly489Arg (NM_001407083.1, NM_001407085.1); c.1444G>C, p.Gly482Arg (NM_001407087.1); and 5 more; short protein forms G461R, G486R, G489R, G490R, G503R, G383R, G482R, G476R.
Identifiers: ClinVar variation 4113300 (VCV004113300.1).